The following is an entry in ClinVar:

NM_031307.4(PUS3):c.1142dup (p.Met382fs)

Genes: HYLS1 (HYLS1 centriolar and ciliogenesis associated; plus strand), PUS3 (pseudouridine synthase 3; minus strand). Cytogenetic location: 11q24.2.
Variant type: Duplication.
Coding change: c.1142dup on transcript NM_031307.4 (MANE Select); coding-DNA position 1142, one base duplicated (A; older notation c.1142dupA).
Protein change: p.Met382fs; shifts the reading frame from methionine 382.
Molecular consequence: frameshift variant. On other transcripts: 3 prime UTR variant (3), intron variant (5).
Genome position (GRCh38, 1-based): chr11:125,894,089, T duplicated on the plus strand (A on the coding strand, the reverse complement: PUS3 is on the minus strand); the first of 3 consecutive T bases (chr11:125,894,089-125,894,091); duplicating any one gives the same sequence. VCF-style (leftmost placement, unchanged base first): chr11-125894088-C-CT. GRCh37 (hg19) VCF-style: chr11-125763983-C-CT.
Other names: c.518dup, p.Met174fs (NM_001271985.2, NM_001441238.1); c.1142dup, p.Met382fs (NM_001441237.1); c.*165dup (NM_001441239.1, NM_001441240.1, NM_001441241.1); c.-81+2619dup (NM_145014.3); c.-26+2619dup (NM_001134793.2); c.-23+2619dup (NM_001424364.1); c.-25-5253dup (NM_001377269.1); c.-22-5256dup (NM_001377270.1); short protein forms M382fs, M174fs.
Identifiers: ClinVar variation 4773646 (VCV004773646.1).

ClinVar aggregate classification (germline): Uncertain significance (1 of 4 stars; one submission).

Submission:

Labcorp Genetics (formerly Invitae), Labcorp
Classification: Uncertain significance. Last evaluated: 2025-09-22. Review status: criteria provided, single submitter. Criteria: Invitae Variant Classification Sherloc (09022015). Collection method: clinical testing. Allele origin: germline.
Comment: This sequence change creates a premature translational stop signal (p.Met382Aspfs*11) in the PUS3 gene. While this is not anticipated to result in nonsense mediated decay, it is expected to disrupt the last 100 amino acid(s) of the PUS3 protein. This variant is present in population databases (no rsID available, gnomAD 0.0009%). This variant has not been reported in the literature in individuals affected with PUS3-related conditions. Experimental studies and prediction algorithms are not available or were not evaluated, and the functional significance of this variant is currently unknown. In summary, the available evidence is currently insufficient to determine the role of this variant in disease. Therefore, it has been classified as a Variant of Uncertain Significance.